The following is an entry in ClinVar:

ClinVar aggregate classification (germline): Uncertain significance (1 of 4 stars; one submission).

Conditions:
Amyotrophic lateral sclerosis type 21. Also called: VOCAL CORD AND PHARYNGEAL DYSFUNCTION WITH DISTAL MYOPATHY; MYOPATHY, DISTAL, 2. Identifiers: Orphanet 600, Orphanet 803, MedGen C3807521, MONDO:0011632, OMIM 606070.

Submission:

Labcorp Genetics (formerly Invitae), Labcorp
Classification: Uncertain significance for Amyotrophic lateral sclerosis type 21. Last evaluated: 2020-05-29. Review status: criteria provided, single submitter. Criteria: Invitae Variant Classification Sherloc (09022015). Collection method: clinical testing. Allele origin: germline.
Comment: This sequence change replaces aspartic acid with histidine at codon 680 of the MATR3 protein (p.Asp680His). The aspartic acid residue is highly conserved and there is a moderate physicochemical difference between aspartic acid and histidine. This variant is not present in population databases (ExAC no frequency). This variant has not been reported in the literature in individuals with MATR3-related conditions. Algorithms developed to predict the effect of missense changes on protein structure and function are either unavailable or do not agree on the potential impact of this missense change (SIFT: "Deleterious"; PolyPhen-2: "Probably Damaging"; Align-GVGD: "Class C0"). In summary, the available evidence is currently insufficient to determine the role of this variant in disease. Therefore, it has been classified as a Variant of Uncertain Significance.

NM_018834.6(MATR3):c.2038G>C (p.Asp680His)

Genes: MATR3 (matrin 3; plus strand), LOC126807526 (CDK7 strongly-dependent group 2 enhancer GRCh37_chr5:138657767-138658966; plus strand). Cytogenetic location: 5q31.2.
Variant type: single nucleotide variant.
Coding change: c.2038G>C on transcript NM_018834.6 (MANE Select); coding-DNA position 2038, G replaced by C.
Protein change: p.Asp680His; replaces aspartic acid 680 with histidine.
Molecular consequence: missense variant.
Genome position (GRCh38, 1-based): chr5:139,322,857, G>C. VCF-style: chr5-139322857-G-C. GRCh37 (hg19) VCF-style: chr5-138658546-G-C.
Other names: c.2038G>C, p.Asp680His (NM_001194954.2, NM_001194955.2, NM_199189.3); c.1174G>C, p.Asp392His (NM_001194956.2); c.1024G>C, p.Asp342His (NM_001282278.2); short protein forms D342H, D392H, D680H.
Identifiers: ClinVar variation 1006812 (VCV001006812.9), dbSNP rs752161415, ClinGen allele CA361144791.
Genomic context (GRCh38, chr5:139,322,857, plus strand): 5'-GTAGATGAAGAAGAAGCAGCAGCACTGCTAGAAAGTGGCAGTTCAGTGGGAGACGAGACC[G>C]ATCTTGCTAATTTAGGTGATGTGGCTTCTGATGGGAAAAAGGAACCATCAGATAAAGCTG-3'
Protein context (NP_061322.2, residues 670-690): ESGSSVGDET[Asp680His]LANLGDVASD